The following is an entry in ClinVar:

ClinVar aggregate classification (germline): Uncertain significance (1 of 4 stars; one submission).

Conditions:
Long QT syndrome (LQTS). Identifiers: MedGen C0023976, MeSH D008133, MONDO:0002442. Disease mechanism: loss of function. Inheritance: Various modes of inheritance.

Submission:

Labcorp Genetics (formerly Invitae), Labcorp
Classification: Uncertain significance for Long QT syndrome. Last evaluated: 2021-07-31. Review status: criteria provided, single submitter. Criteria: Invitae Variant Classification Sherloc (09022015). Collection method: clinical testing. Allele origin: germline.
Comment: In summary, the available evidence is currently insufficient to determine the role of this variant in disease. Therefore, it has been classified as a Variant of Uncertain Significance. This sequence change replaces isoleucine with threonine at codon 112 of the CAV3 protein (p.Ile112Thr). The isoleucine residue is highly conserved and there is a moderate physicochemical difference between isoleucine and threonine. This variant is not present in population databases (ExAC no frequency). This variant has not been reported in the literature in individuals affected with CAV3-related conditions. Algorithms developed to predict the effect of missense changes on protein structure and function (SIFT, PolyPhen-2, Align-GVGD) all suggest that this variant is likely to be disruptive.

NM_033337.3(CAV3):c.335T>C (p.Ile112Thr)

Genes: OXTR (oxytocin receptor; minus strand), CAV3 (caveolin 3; plus strand). Cytogenetic location: 3p25.3.
Variant type: single nucleotide variant.
Coding change: c.335T>C on transcript NM_033337.3 (MANE Select); coding-DNA position 335, T replaced by C.
Protein change: p.Ile112Thr; replaces isoleucine 112 with threonine.
Molecular consequence: missense variant.
Genome position (GRCh38, 1-based): chr3:8,745,746, T>C. VCF-style: chr3-8745746-T-C. GRCh37 (hg19) VCF-style: chr3-8787432-T-C.
Other names: c.335T>C, p.Ile112Thr (NM_001234.5); short protein forms I112T.
Identifiers: ClinVar variation 1422593 (VCV001422593.6), dbSNP rs2124988654, ClinGen allele CA351663546.
Genomic context (GRCh38, chr3:8,745,746, plus strand): 5'-TCGCCTGCATCTCCTTCTGCCACATCTGGGCGGTGGTGCCATGCATTAAGAGCTACCTGA[T>C]CGAGATCCAGTGCATCAGCCACATCTACTCACTCTGCATCCGCACCTTCTGCAACCCACT-3'
Protein context (NP_203123.1, residues 102-122): AVVPCIKSYL[Ile112Thr]EIQCISHIYS